The following is an entry in ClinVar:

ClinVar aggregate classification (germline): Uncertain significance. Review status: criteria provided, multiple submitters, no conflicts (2 of 4 stars). 2 submissions from 2 submitters: Uncertain significance (2). Last evaluated 2024-09-03.

Conditions:
Cardiovascular phenotype. Identifiers: MedGen CN230736.
Hereditary cancer-predisposing syndrome. Also called: Hereditary Cancer Syndrome; Hereditary neoplastic syndrome; Tumor predisposition; Neoplastic Syndromes, Hereditary. Identifiers: Orphanet 140162, MedGen C0027672, MeSH D009386, MONDO:0015356.
Neurofibromatosis, type 1 (NF1). Also called: VON RECKLINGHAUSEN DISEASE; NEUROFIBROMATOSIS, TYPE I, SOMATIC; Peripheral type neurofibromatosis; Neurofibromatosis, type I. Identifiers: Orphanet 636, MedGen C0027831, MONDO:0018975, OMIM 162200. Disease mechanism: loss of function.

Submissions (2):

Ambry Genetics
Classification: Uncertain significance for Cardiovascular phenotype; Hereditary cancer-predisposing syndrome. Last evaluated: 2024-09-03. Review status: criteria provided, single submitter. Criteria: Ambry Variant Classification Scheme 2023. Collection method: clinical testing. Allele origin: germline.

Labcorp Genetics (formerly Invitae), Labcorp
Classification: Uncertain significance for Neurofibromatosis, type 1. Last evaluated: 2017-07-06. Review status: criteria provided, single submitter. Criteria: Invitae Variant Classification Sherloc (09022015). Collection method: clinical testing. Allele origin: germline.
Comment: Algorithms developed to predict the effect of missense changes on protein structure and function do not agree on the potential impact of this missense change (SIFT: "Deleterious"; PolyPhen-2: "Benign"; Align-GVGD: "Class C0"). In summary, the available evidence is currently insufficient to determine the role of this variant in disease. Therefore, it has been classified as a Variant of Uncertain Significance. This sequence change replaces serine with phenylalanine at codon 621 of the NF1 protein (p.Ser621Phe). The serine residue is moderately conserved and there is a large physicochemical difference between serine and phenylalanine. This variant is not present in population databases (ExAC no frequency). This variant has not been reported in the literature in individuals with NF1-related disease.

NM_001042492.3(NF1):c.1862C>T (p.Ser621Phe)

Gene: NF1 (neurofibromin 1; plus strand). Cytogenetic location: 17q11.2.
Variant type: single nucleotide variant.
Coding change: c.1862C>T on transcript NM_001042492.3 (MANE Select); coding-DNA position 1862, C replaced by T.
Protein change: p.Ser621Phe; replaces serine 621 with phenylalanine.
Molecular consequence: missense variant.
Genome position (GRCh38, 1-based): chr17:31,225,111, C>T. VCF-style: chr17-31225111-C-T. GRCh37 (hg19) VCF-style: chr17-29552129-C-T.
Other names: c.1862C>T, p.Ser621Phe (NM_000267.4); short protein forms S621F.
Identifiers: ClinVar variation 457549 (VCV000457549.7), dbSNP rs760346063, ClinGen allele CA399005080.